The following is an entry in ClinVar:

NM_000760.4(CSF3R):c.166G>A (p.Asp56Asn)

Gene: CSF3R (colony stimulating factor 3 receptor; minus strand). Cytogenetic location: 1p34.3.
Variant type: single nucleotide variant.
Coding change: c.166G>A on transcript NM_000760.4 (MANE Select); coding-DNA position 166, G replaced by A.
Protein change: p.Asp56Asn; replaces aspartic acid 56 with asparagine.
Molecular consequence: missense variant.
Genome position (GRCh38, 1-based): chr1:36,475,572, C>T on the plus strand (G>A on the coding strand, the complement: CSF3R is on the minus strand). VCF-style: chr1-36475572-C-T. GRCh37 (hg19) VCF-style: chr1-36941173-C-T.
Other names: c.166G>A, p.Asp56Asn (NM_156039.3, NM_172313.3); short protein forms D56N.
Identifiers: ClinVar variation 4704627 (VCV004704627.1).

ClinVar aggregate classification (germline): Uncertain significance (1 of 4 stars; one submission).

Conditions:
Autosomal recessive severe congenital neutropenia due to CSF3R deficiency. Also called: Neutropenia, severe congenital, 7, autosomal recessive. Identifiers: Orphanet 420702, MedGen C4310764, MONDO:0014865, OMIM 617014.

gnomAD v4.1: 11 of 1,613,378 alleles (0.00068%); highest among the groups gnomAD compares: East Asian, 0.022%; no homozygotes.

Submission:

Labcorp Genetics (formerly Invitae), Labcorp
Classification: Uncertain significance for Autosomal recessive severe congenital neutropenia due to CSF3R deficiency. Last evaluated: 2025-04-19. Review status: criteria provided, single submitter. Criteria: Invitae Variant Classification Sherloc (09022015). Collection method: clinical testing. Allele origin: germline.
Comment: This sequence change replaces aspartic acid, which is acidic and polar, with asparagine, which is neutral and polar, at codon 56 of the CSF3R protein (p.Asp56Asn). This variant is present in population databases (rs199552713, gnomAD 0.03%). This variant has not been reported in the literature in individuals affected with CSF3R-related conditions. An algorithm developed to predict the effect of missense changes on protein structure and function (PolyPhen-2) suggests that this variant is likely to be tolerated. In summary, the available evidence is currently insufficient to determine the role of this variant in disease. Therefore, it has been classified as a Variant of Uncertain Significance.